The following is an entry in ClinVar:

NM_133259.4(LRPPRC):c.93_94delinsAGCA (p.Gly32fs)

Gene: LRPPRC (leucine rich pentatricopeptide repeat containing; minus strand). Cytogenetic location: 2p21.
Variant type: Indel.
Coding change: c.93_94delinsAGCA on transcript NM_133259.4 (MANE Select); coding-DNA positions 93 to 94, GG replaced by AGCA.
Protein change: p.Gly32fs; shifts the reading frame from glycine 32.
Molecular consequence: frameshift variant.
Genome position (GRCh38, 1-based): chr2:43,995,854-43,995,855, CC replaced by TGCT on the plus strand (GG replaced by AGCA on the coding strand, the reverse complement: LRPPRC is on the minus strand). VCF-style: chr2-43995854-CC-TGCT. GRCh37 (hg19) VCF-style: chr2-44222993-CC-TGCT.
Other names: short protein forms G32fs.
Identifiers: ClinVar variation 1726485 (VCV001726485.2), dbSNP rs2465900686, ClinGen allele CA2580066516.

ClinVar aggregate classification (germline): Likely pathogenic (1 of 4 stars; one submission).

Conditions:
Congenital lactic acidosis, Saguenay-Lac-Saint-Jean type (MC4DN5). Also called: CYTOCHROME c OXIDASE DEFICIENCY, FRENCH CANADIAN TYPE; COX DEFICIENCY, FRENCH CANADIAN TYPE; MITOCHONDRIAL COMPLEX IV DEFICIENCY, NUCLEAR TYPE 5. Identifiers: Orphanet 70472, MedGen C1857355, MONDO:0009069, OMIM 220111.

Submission:

Myriad Genetics, Inc.
Classification: Likely pathogenic for Congenital lactic acidosis, Saguenay-Lac-Saint-Jean type. Last evaluated: 2021-12-17. Review status: criteria provided, single submitter. Criteria: Myriad Women's Health Autosomal Recessive and X-Linked Classification Criteria (2021). Collection method: clinical testing. Allele origin: unknown.
Comment: NM_133259.3(LRPPRC):c.93_94delGGinsAGCA(G32Afs*23) is expected to be pathogenic in the context of Leigh syndrome, French-Canadian type. This variant is predicted to lead to an abnormal or absent protein product due to the creation of a premature termination codon in LRPPRC, a gene where loss-of-function variants are known to be pathogenic. Please note: this variant was assessed in the context of healthy population screening.